The following is an entry in ClinVar:

NM_175737.4(KLB):c.448C>G (p.Gln150Glu)

Gene: KLB (klotho beta; plus strand). Cytogenetic location: 4p14.
Variant type: single nucleotide variant.
Coding change: c.448C>G on transcript NM_175737.4 (MANE Select); coding-DNA position 448, C replaced by G.
Protein change: p.Gln150Glu; replaces glutamine 150 with glutamic acid.
Molecular consequence: missense variant.
Genome position (GRCh38, 1-based): chr4:39,407,397, C>G. VCF-style: chr4-39407397-C-G. GRCh37 (hg19) VCF-style: chr4-39409017-C-G.
Other names: short protein forms Q150E.
Identifiers: ClinVar variation 2961086 (VCV002961086.3), dbSNP rs2475747300, ClinGen allele CA356648671.

ClinVar aggregate classification (germline): Uncertain significance (1 of 4 stars; one submission).

Allele frequency attached by ClinVar (database versions not stated): gnomAD exomes below 0.00001.
gnomAD v4.1: 1 of 1,613,488 alleles (0.000062%); highest among the groups gnomAD compares: Non-Finnish European, 0.000085%; no homozygotes.

Submission:

Labcorp Genetics (formerly Invitae), Labcorp
Classification: Uncertain significance. Last evaluated: 2023-04-02. Review status: criteria provided, single submitter. Criteria: Invitae Variant Classification Sherloc (09022015). Collection method: clinical testing. Allele origin: germline.
Comment: This sequence change replaces glutamine, which is neutral and polar, with glutamic acid, which is acidic and polar, at codon 150 of the KLB protein (p.Gln150Glu). Advanced modeling of protein sequence and biophysical properties (such as structural, functional, and spatial information, amino acid conservation, physicochemical variation, residue mobility, and thermodynamic stability) performed at Invitae indicates that this missense variant is expected to disrupt KLB protein function. This variant has not been reported in the literature in individuals affected with KLB-related conditions. This variant is not present in population databases (gnomAD no frequency). In summary, the available evidence is currently insufficient to determine the role of this variant in disease. Therefore, it has been classified as a Variant of Uncertain Significance.